The following is an entry in ClinVar:

ClinVar aggregate classification (germline): Uncertain significance. Review status: criteria provided, multiple submitters, no conflicts (2 of 4 stars). 2 submissions from 2 submitters: Uncertain significance (2). Last evaluated 2024-02-13.

Allele frequency attached by ClinVar (database versions not stated): ExAC 0.00001; gnomAD exomes 0.00001; TOPMed 0.00001.
gnomAD v4.1: 3 of 1,614,142 alleles (0.00019%); highest among the groups gnomAD compares: Non-Finnish European, 0.00025%; no homozygotes.

Submissions (2):

Blueprint Genetics
Classification: Uncertain significance. Last evaluated: 2024-02-13. Review status: criteria provided, single submitter. Criteria: ACMG Guidelines, 2015. Collection method: clinical testing. Allele origin: germline.

Labcorp Genetics (formerly Invitae), Labcorp
Classification: Uncertain significance. Last evaluated: 2023-04-20. Review status: criteria provided, single submitter. Criteria: Invitae Variant Classification Sherloc (09022015). Collection method: clinical testing. Allele origin: germline.
Comment: In summary, the available evidence is currently insufficient to determine the role of this variant in disease. Therefore, it has been classified as a Variant of Uncertain Significance. An algorithm developed to predict the effect of missense changes on protein structure and function (PolyPhen-2) suggests that this variant is likely to be disruptive. This variant has not been reported in the literature in individuals affected with IL2RB-related conditions. This variant is present in population databases (rs773733100, gnomAD 0.0009%). This sequence change replaces glycine, which is neutral and non-polar, with arginine, which is basic and polar, at codon 91 of the IL2RB protein (p.Gly91Arg).

NM_000878.5(IL2RB):c.271G>A (p.Gly91Arg)

Gene: IL2RB (interleukin 2 receptor subunit beta; minus strand). Cytogenetic location: 22q12.3.
Variant type: single nucleotide variant.
Coding change: c.271G>A on transcript NM_000878.5 (MANE Select); coding-DNA position 271, G replaced by A.
Protein change: p.Gly91Arg; replaces glycine 91 with arginine.
Molecular consequence: missense variant.
Genome position (GRCh38, 1-based): chr22:37,142,445, C>T on the plus strand (G>A on the coding strand, the complement: IL2RB is on the minus strand). VCF-style: chr22-37142445-C-T. GRCh37 (hg19) VCF-style: chr22-37538485-C-T.
Other names: c.271G>A, p.Gly91Arg (NM_001346222.1, NM_001346223.2); short protein forms G91R.
Identifiers: ClinVar variation 2807290 (VCV002807290.4), dbSNP rs773733100, ClinGen allele CA10216679.